The following is an entry in ClinVar:

ClinVar aggregate classification (germline): Conflicting classifications of pathogenicity. Review status: criteria provided, conflicting classifications (1 of 4 stars). 2 submissions from 2 submitters: Uncertain significance (1); Likely benign (1). Last evaluated 2023-07-01.

Conditions:
Landau-Kleffner syndrome (FESD). Also called: EPILEPSY, FOCAL, WITH SPEECH DISORDER AND WITH OR WITHOUT MENTAL RETARDATION; APHASIA, ACQUIRED, WITH EPILEPSY. Identifiers: Orphanet 1945, Orphanet 725, Orphanet 98818, MedGen C0282512, MONDO:0009509, OMIM 245570.

Allele frequency attached by ClinVar (database versions not stated): gnomAD 0.00019 and 0.00018; gnomAD exomes 0.00018; TOPMed 0.00012.
gnomAD v4.1: 39 of 218,122 alleles (0.018%); highest among the groups gnomAD compares: Admixed American, 0.099%; no homozygotes.

Submissions (2):

CeGaT Center for Human Genetics Tuebingen
Classification: Likely benign. Last evaluated: 2023-07-01. Review status: criteria provided, single submitter. Criteria: CeGaT Center For Human Genetics Tuebingen Variant Classification Criteria Version 2. Collection method: clinical testing. Allele origin: germline. Affected: yes. Observed: 1 variant allele.
Comment: GRIN2A: BS1

Illumina Laboratory Services, Illumina
Classification: Uncertain significance for Landau-Kleffner syndrome. Last evaluated: 2018-01-12. Review status: criteria provided, single submitter. Criteria: ICSL Variant Classification Criteria 13 December 2019. Collection method: clinical testing. Allele origin: germline.

NM_001134407.3(GRIN2A):c.*8398G>A

Gene: GRIN2A (glutamate ionotropic receptor NMDA type subunit 2A; minus strand). Cytogenetic location: 16p13.2.
Variant type: single nucleotide variant.
Coding change: c.*8398G>A on transcript NM_001134407.3 (MANE Select); 8398 bases downstream of the stop codon, G replaced by A.
Molecular consequence: 3 prime UTR variant.
Genome position (GRCh38, 1-based): chr16:9,754,751, C>T on the plus strand (G>A on the coding strand, the complement: GRIN2A is on the minus strand). VCF-style: chr16-9754751-C-T. GRCh37 (hg19) VCF-style: chr16-9848608-C-T.
Other names: c.*8398G>A (NM_000833.5); c.*8604G>A (NM_001134408.2).
Identifiers: ClinVar variation 321472 (VCV000321472.29), dbSNP rs886052517, ClinGen allele CA10638721.